The following is an entry in ClinVar:

ClinVar aggregate classification (germline): Likely benign (1 of 4 stars; one submission).

Conditions:
PDZD8-related condition.

Submission:

PreventionGenetics, part of Exact Sciences
Classification: Likely benign for PDZD8-related condition. Last evaluated: 2026-03-04. Review status: criteria provided, single submitter. Criteria: ACMG Guidelines, 2015. Collection method: clinical testing. Allele origin: germline.
Comment: This variant is classified as likely benign based on ACMG/AMP sequence variant interpretation guidelines (Richards et al. 2015 PMID: 25741868, with internal and published modifications).

NM_173791.5(PDZD8):c.872+10A>T

Gene: PDZD8 (PDZ domain containing 8; minus strand). Cytogenetic location: 10q26.11.
Variant type: single nucleotide variant.
Coding change: c.872+10A>T on transcript NM_173791.5 (MANE Select); 10 bases into the intron after coding-DNA position 872, A replaced by T.
Molecular consequence: intron variant.
Genome position (GRCh38, 1-based): chr10:117,374,346, T>A on the plus strand (A>T on the coding strand, the complement: PDZD8 is on the minus strand). VCF-style: chr10-117374346-T-A. GRCh37 (hg19) VCF-style: chr10-119133857-T-A.
Identifiers: ClinVar variation 4981184 (VCV004981184.1).
Genomic context (GRCh38, chr10:117,374,346, plus strand): 5'-CAATCCACGCAGCGTCCCGCCCAGGCCCGGGTTCCCGGCAGCCAGGCCCCCTCCCCGACC[T>A]CCAGCTCACCTGATCTTGTAATTCGGTAGGGTGTGCTTGCGCTTGATGATCTTCTTGAGC-3'